The following is an entry in ClinVar:

NM_006231.4(POLE):c.1347G>C (p.Thr449=)

Gene: POLE (DNA polymerase epsilon, catalytic subunit; minus strand). Cytogenetic location: 12q24.33.
Variant type: single nucleotide variant.
Coding change: c.1347G>C on transcript NM_006231.4 (MANE Select); coding-DNA position 1347, G replaced by C.
Protein change: p.Thr449=; no amino-acid change (threonine 449 retained).
Molecular consequence: synonymous variant.
Genome position (GRCh38, 1-based): chr12:132,673,587, C>G on the plus strand (G>C on the coding strand, the complement: POLE is on the minus strand). VCF-style: chr12-132673587-C-G. GRCh37 (hg19) VCF-style: chr12-133250173-C-G.
Identifiers: ClinVar variation 387154 (VCV000387154.13), dbSNP rs142373951, ClinGen allele CA16606545.

ClinVar aggregate classification (germline): Benign/Likely benign. Review status: criteria provided, multiple submitters, no conflicts (2 of 4 stars). 5 submissions from 5 submitters: Benign (1); Likely benign (4). Last evaluated 2025-10-01.

Conditions:
Colorectal cancer, susceptibility to, 12 (CRCS12). Also called: COLORECTAL CANCER, SUSCEPTIBILITY TO, ON CHROMOSOME 12q24. Identifiers: Orphanet 220460, MedGen C3554460, MONDO:0014038, OMIM 615083.
Hereditary cancer-predisposing syndrome. Also called: Tumor predisposition; Neoplastic Syndromes, Hereditary; Hereditary neoplastic syndrome; Hereditary Cancer Syndrome. Identifiers: Orphanet 140162, MedGen C0027672, MeSH D009386, MONDO:0015356.

Submissions (5):

Labcorp Genetics (formerly Invitae), Labcorp
Classification: Likely benign. Last evaluated: 2025-10-01. Review status: criteria provided, single submitter. Criteria: Invitae Variant Classification Sherloc (09022015). Collection method: clinical testing. Allele origin: germline.

Myriad Genetics, Inc.
Classification: Benign for Colorectal cancer, susceptibility to, 12. Last evaluated: 2025-02-10. Review status: criteria provided, single submitter. Criteria: Myriad Autosomal Dominant, Autosomal Recessive and X-Linked Classification Criteria (2023). Collection method: clinical testing. Allele origin: unknown.
Comment: This variant is considered benign. This variant is a silent/synonymous amino acid change and it is not expected to impact splicing.

Ambry Genetics
Classification: Likely benign for Hereditary cancer-predisposing syndrome. Last evaluated: 2022-02-13. Review status: criteria provided, single submitter. Criteria: Ambry Variant Classification Scheme 2023. Collection method: clinical testing. Allele origin: germline.

Blueprint Genetics
Classification: Likely benign. Last evaluated: 2021-10-26. Review status: criteria provided, single submitter. Criteria: ACMG Guidelines, 2015. Collection method: clinical testing. Allele origin: germline.

GeneDx
Classification: Likely benign. Last evaluated: 2016-06-21. Review status: criteria provided, single submitter. Criteria: GeneDx Variant Classification (06012015). Collection method: clinical testing. Allele origin: germline. Affected: yes.
Comment: This variant is considered likely benign or benign based on one or more of the following criteria: it is a conservative change, it occurs at a poorly conserved position in the protein, it is predicted to be benign by multiple in silico algorithms, and/or has population frequency not consistent with disease.